The following is an entry in ClinVar:

NM_130839.5(UBE3A):c.1131T>A (p.Tyr377Ter)

Genes: SNHG14 (small nucleolar RNA host gene 14; plus strand), UBE3A (ubiquitin protein ligase E3A; minus strand). Cytogenetic location: 15q11.2.
Variant type: single nucleotide variant.
Coding change: c.1131T>A on transcript NM_130839.5 (MANE Select); coding-DNA position 1131, T replaced by A.
Protein change: p.Tyr377Ter; replaces tyrosine 377 with a stop codon.
Molecular consequence: nonsense. On other transcripts: non-coding transcript variant (1), intron variant (2).
Genome position (GRCh38, 1-based): chr15:25,371,043, A>T on the plus strand (T>A on the coding strand, the complement: UBE3A is on the minus strand). VCF-style: chr15-25371043-A-T. GRCh37 (hg19) VCF-style: chr15-25616190-A-T.
Other names: c.1140T>A, p.Tyr380Ter (NM_000462.5); c.1131T>A, p.Tyr377Ter (NM_001354505.1, NM_001354538.2, NM_001354545.2); c.1071T>A, p.Tyr357Ter (NM_001354506.2, NM_001354507.2, NM_001354508.2 and 17 more transcripts); c.954T>A, p.Tyr318Ter (NM_001354546.2); c.301+4422T>A (NM_001354551.2); c.361+4422T>A (NM_001354550.2); short protein forms Y318*, Y357*, Y380*, Y377*.
Identifiers: ClinVar variation 846659 (VCV000846659.8), dbSNP rs2080231132, ClinGen allele CA391354285.
Genomic context (GRCh38, chr15:25,371,043, plus strand): 5'-GGGCTCTTCATCATCTTCTTCATTGTGATTTGTGTCCACTTCCCCTCCCACTACATTTGC[A>T]TAGTAAACCATTTTCAAGCACTTCGAAGCAGCAACAATGGCATCATCATCATTCACTAGA-3'

ClinVar aggregate classification (germline): Pathogenic (1 of 4 stars; one submission).

Conditions:
Angelman syndrome (AS). Also called: HAPPY PUPPET SYNDROME. Identifiers: Orphanet 72, MedGen C0162635, MONDO:0007113, OMIM 105830. Disease mechanism: loss of function. Inheritance: imprinting disorder, AS is caused by disruption of maternally imprinted UBE3A located within the 15q11.2-q13 Angelman syndrome/Prader-Willi syndrome (AS/PWS) region..

Submission:

Labcorp Genetics (formerly Invitae), Labcorp
Classification: Pathogenic for Angelman syndrome. Last evaluated: 2019-06-16. Review status: criteria provided, single submitter. Criteria: Invitae Variant Classification Sherloc (09022015). Collection method: clinical testing. Allele origin: germline.
Comment: This variant is not present in population databases (ExAC no frequency). For these reasons, this variant has been classified as Pathogenic. Loss-of-function variants in UBE3A are known to be pathogenic (PMID: 25212744). This variant has not been reported in the literature in individuals with UBE3A-related conditions. This sequence change creates a premature translational stop signal (p.Tyr357*) in the UBE3A gene. It is expected to result in an absent or disrupted protein product.

Literature cited by the submitters: PubMed 25212744.